The following is an entry in ClinVar:

ClinVar aggregate classification (germline): Conflicting classifications of pathogenicity. Review status: criteria provided, conflicting classifications (1 of 4 stars). 2 submissions from 2 submitters: Likely pathogenic (1); Uncertain significance (1). Last evaluated 2023-02-27.

Conditions:
Charcot-Marie-Tooth disease type 2E (CMT2E). Also called: CHARCOT-MARIE-TOOTH DISEASE, AXONAL, TYPE 2E; CHARCOT-MARIE-TOOTH NEUROPATHY, TYPE 2E. Identifiers: Orphanet 99939, MedGen C1843225, MONDO:0011894, OMIM 607684.

Submissions (2):

GeneDx
Classification: Likely pathogenic. Last evaluated: 2023-02-27. Review status: criteria provided, single submitter. Criteria: GeneDx Variant Classification Process June 2021. Collection method: clinical testing. Allele origin: germline. Affected: yes.
Comment: Not observed at significant frequency in large population cohorts (gnomAD); In silico analysis supports that this missense variant has a deleterious effect on protein structure/function; Has not been previously published as pathogenic or benign to our knowledge

Labcorp Genetics (formerly Invitae), Labcorp
Classification: Uncertain significance for Charcot-Marie-Tooth disease type 2E. Last evaluated: 2022-09-07. Review status: criteria provided, single submitter. Criteria: Invitae Variant Classification Sherloc (09022015). Collection method: clinical testing. Allele origin: germline.
Comment: This variant has not been reported in the literature in individuals affected with NEFL-related conditions. This sequence change replaces asparagine, which is neutral and polar, with lysine, which is basic and polar, at codon 98 of the NEFL protein (p.Asn98Lys). This variant is not present in population databases (gnomAD no frequency). ClinVar contains an entry for this variant (Variation ID: 372433). This variant disrupts the p.Asn98 amino acid residue in NEFL. Other variant(s) that disrupt this residue have been determined to be pathogenic (PMID: 12477167, 19158810, 21840889, 25448007, 26645395, 27206872). This suggests that this residue is clinically significant, and that variants that disrupt this residue are likely to be disease-causing. In summary, the available evidence is currently insufficient to determine the role of this variant in disease. Therefore, it has been classified as a Variant of Uncertain Significance.

Literature cited by the submitters: PubMed 12477167 (cited by Labcorp Genetics (formerly Invitae), Labcorp); PubMed 19158810 (cited by Labcorp Genetics (formerly Invitae), Labcorp); PubMed 21840889 (cited by Labcorp Genetics (formerly Invitae), Labcorp); PubMed 25448007 (cited by Labcorp Genetics (formerly Invitae), Labcorp); PubMed 26645395 (cited by Labcorp Genetics (formerly Invitae), Labcorp); PubMed 27206872 (cited by Labcorp Genetics (formerly Invitae), Labcorp).

NM_006158.5(NEFL):c.294T>G (p.Asn98Lys)

Gene: NEFL (neurofilament light chain; minus strand). Cytogenetic location: 8p21.2.
Variant type: single nucleotide variant.
Coding change: c.294T>G on transcript NM_006158.5 (MANE Select); coding-DNA position 294, T replaced by G.
Protein change: p.Asn98Lys; replaces asparagine 98 with lysine.
Molecular consequence: missense variant.
Genome position (GRCh38, 1-based): chr8:24,956,222, A>C on the plus strand (T>G on the coding strand, the complement: NEFL is on the minus strand). VCF-style: chr8-24956222-A-C. GRCh37 (hg19) VCF-style: chr8-24813736-A-C.
Other names: short protein forms N98K.
Identifiers: ClinVar variation 372433 (VCV000372433.9), dbSNP rs1057517776, ClinGen allele CA16042636.